The following is an entry in ClinVar:

NM_000535.7(PMS2):c.1391A>T (p.Asp464Val)

Gene: PMS2 (PMS1 homolog 2, mismatch repair system component; minus strand). Cytogenetic location: 7p22.1.
Variant type: single nucleotide variant.
Coding change: c.1391A>T on transcript NM_000535.7 (MANE Select); coding-DNA position 1391, A replaced by T.
Protein change: p.Asp464Val; replaces aspartic acid 464 with valine.
Molecular consequence: missense variant. On other transcripts: non-coding transcript variant (1).
Genome position (GRCh38, 1-based): chr7:5,987,374, T>A on the plus strand (A>T on the coding strand, the complement: PMS2 is on the minus strand). VCF-style: chr7-5987374-T-A. GRCh37 (hg19) VCF-style: chr7-6027005-T-A.
Other names: c.986A>T, p.Asp329Val (NM_001322003.2, NM_001322004.2, NM_001322005.2 and 1 more transcripts); c.1235A>T, p.Asp412Val (NM_001322006.2); c.1073A>T, p.Asp358Val (NM_001322007.2, NM_001322008.2); c.830A>T, p.Asp277Val (NM_001322010.2); c.458A>T, p.Asp153Val (NM_001322011.2, NM_001322012.2); c.818A>T, p.Asp273Val (NM_001322013.2); c.1391A>T, p.Asp464Val (NM_001322014.2); c.1082A>T, p.Asp361Val (NM_001322015.2); short protein forms D153V, D361V, D358V, D273V, D277V, D412V, D464V, D329V.
Identifiers: ClinVar variation 665150 (VCV000665150.8), dbSNP rs1583320657, ClinGen allele CA366742149.

ClinVar aggregate classification (germline): Uncertain significance (1 of 4 stars; one submission).

Conditions:
Hereditary nonpolyposis colorectal neoplasms. Identifiers: MedGen C0009405, MeSH D003123.

Submission:

Labcorp Genetics (formerly Invitae), Labcorp
Classification: Uncertain significance for Hereditary nonpolyposis colorectal neoplasms. Last evaluated: 2025-10-13. Review status: criteria provided, single submitter. Criteria: Invitae Variant Classification Sherloc (09022015). Collection method: clinical testing. Allele origin: germline.
Comment: This sequence change replaces aspartic acid, which is acidic and polar, with valine, which is neutral and non-polar, at codon 464 of the PMS2 protein (p.Asp464Val). This variant is not present in population databases (gnomAD no frequency). This variant has not been reported in the literature in individuals affected with PMS2-related conditions. ClinVar contains an entry for this variant (Variation ID: 665150). Invitae Evidence Modeling incorporating data from in vitro experimental studies (internal data) indicates that this missense variant is not expected to disrupt PMS2 function with a negative predictive value of 95%. In summary, the available evidence is currently insufficient to determine the role of this variant in disease. Therefore, it has been classified as a Variant of Uncertain Significance.